The following is an entry in ClinVar:

NM_138694.4(PKHD1):c.9830-2A>G

Gene: PKHD1 (PKHD1 ciliary IPT domain containing fibrocystin/polyductin; minus strand). Cytogenetic location: 6p12.3.
Variant type: single nucleotide variant.
Coding change: c.9830-2A>G on transcript NM_138694.4 (MANE Select); the canonical splice acceptor site of the intron before coding-DNA position 9830, A replaced by G.
Molecular consequence: splice acceptor variant.
Genome position (GRCh38, 1-based): chr6:51,746,891, T>C on the plus strand (A>G on the coding strand, the complement: PKHD1 is on the minus strand). VCF-style: chr6-51746891-T-C. GRCh37 (hg19) VCF-style: chr6-51611689-T-C.
Other names: c.9830-2A>G (NM_170724.3, NM_138694.3).
Identifiers: ClinVar variation 1068071 (VCV001068071.15), dbSNP rs890681861, ClinGen allele CA138895101.
Genomic context (GRCh38, chr6:51,746,891, plus strand): 5'-AATGCAGACATCCAGGTCATCGCTATAGCAACTCTTCACAAAACTAGAAAAGGTAACATC[T>C]GAAATTTTAAAAATATGTATCATAATATTATATCATATAAACCACCAGCCACAAATATCG-3'

ClinVar aggregate classification (germline): Pathogenic/Likely pathogenic. Review status: criteria provided, multiple submitters, no conflicts (2 of 4 stars). 4 submissions from 4 submitters: Pathogenic (1); Likely pathogenic (3). Last evaluated 2026-01-14.

Conditions:
Polycystic kidney disease 4 (PKD4). Also called: POLYCYSTIC KIDNEY AND HEPATIC DISEASE 1; POLYCYSTIC KIDNEY DISEASE, INFANTILE, TYPE I; POLYCYSTIC KIDNEY DISEASE 4 WITH OR WITHOUT POLYCYSTIC LIVER DISEASE; Autosomal Recessive Polycystic Kidney Disease – PKHD1; PKD3. Identifiers: MedGen C4540575, MONDO:0033004, OMIM 263200.
Autosomal recessive polycystic kidney disease (ARPKD). Also called: AR polycystic kidney disease. Identifiers: Orphanet 731, Orphanet 8378, MedGen C0085548, MeSH D017044, MONDO:0009889.

Allele frequency attached by ClinVar (database versions not stated): gnomAD exomes below 0.00001; TOPMed below 0.00001.
gnomAD v4.1: 3 of 1,571,878 alleles (0.00019%); highest among the groups gnomAD compares: African/African-American, 0.0014%; no homozygotes.

Submissions (4):

Natera, Inc.
Classification: Likely pathogenic for Autosomal recessive polycystic kidney disease. Last evaluated: 2026-01-14. Review status: criteria provided, single submitter. Criteria: Natera Variant Classification Schema (03/2026). Collection method: clinical testing. Allele origin: germline.
Comment: The c.9830-2A>G variant in PKHD1 is a canonical splice acceptor site variant predicted to affect pre-mRNA splicing, which may result in an abnormal transcript and altered protein product. This variant is expected to result in nonsense mediated decay, truncation, or a dysfunctional protein product. This variant is rare in the general population with a frequency below the threshold expected for the associated phenotype(s). Given the available evidence, this variant is classified as Likely Pathogenic.

Baylor Genetics
Classification: Pathogenic for Polycystic kidney disease 4. Last evaluated: 2023-10-20. Review status: criteria provided, single submitter. Criteria: ACMG Guidelines, 2015. Collection method: clinical testing. Allele origin: unknown.

Fulgent Genetics
Classification: Likely pathogenic for Polycystic kidney disease 4. Last evaluated: 2021-09-05. Review status: criteria provided, single submitter. Criteria: ACMG Guidelines, 2015. Collection method: clinical testing. Allele origin: unknown.

Labcorp Genetics (formerly Invitae), Labcorp
Classification: Likely pathogenic for Autosomal recessive polycystic kidney disease. Last evaluated: 2020-08-09. Review status: criteria provided, single submitter. Criteria: Invitae Variant Classification Sherloc (09022015). Collection method: clinical testing. Allele origin: germline.
Comment: This variant is not present in population databases (ExAC no frequency). This variant has not been reported in the literature in individuals with PKHD1-related conditions. Algorithms developed to predict the effect of sequence changes on RNA splicing suggest that this variant may disrupt the consensus splice site, but this prediction has not been confirmed by published transcriptional studies. Donor and acceptor splice site variants typically lead to a loss of protein function (PMID: 16199547), and loss-of-function variants in PKHD1 are known to be pathogenic (PMID: 19940839). In summary, the currently available evidence indicates that the variant is pathogenic, but additional data are needed to prove that conclusively. Therefore, this variant has been classified as Likely Pathogenic. This sequence change affects an acceptor splice site in intron 58 of the PKHD1 gene. It is expected to disrupt RNA splicing and likely results in an absent or disrupted protein product.

Literature cited by the submitters: PubMed 16199547 (cited by Labcorp Genetics (formerly Invitae), Labcorp); PubMed 19940839 (cited by Labcorp Genetics (formerly Invitae), Labcorp).